The following is an entry in ClinVar:

NM_003001.5(SDHC):c.179+4A>G

Gene: SDHC (succinate dehydrogenase complex subunit C; plus strand). Cytogenetic location: 1q23.3.
Variant type: single nucleotide variant.
Coding change: c.179+4A>G on transcript NM_003001.5 (MANE Select); 4 bases into the intron after coding-DNA position 179, A replaced by G.
Molecular consequence: intron variant.
Genome position (GRCh38, 1-based): chr1:161,328,501, A>G. VCF-style: chr1-161328501-A-G. GRCh37 (hg19) VCF-style: chr1-161298291-A-G.
Other names: c.68+4A>G (NM_001407119.1, NM_001407120.1); c.179+4A>G (NM_001407115.1, NM_001035511.3); c.77+4831A>G (NM_001035512.3, NM_001278172.3, NM_001407118.1); c.122+4A>G (NM_001407116.1, NM_001407121.1, NM_001407117.1); c.21-12093A>G (NM_001035513.3).
Identifiers: ClinVar variation 2007558 (VCV002007558.4), dbSNP rs2526365770, ClinGen allele CA2580061320.

ClinVar aggregate classification (germline): Uncertain significance (1 of 4 stars; one submission).

Conditions:
Pheochromocytoma/paraganglioma syndrome 3. Also called: GLOMUS TUMORS, FAMILIAL, 3; Paragangliomas 3; SDHC-Related Hereditary Paraganglioma-Pheochromocytoma Syndrome (Paragangliomas 3); SDHC-Related Hereditary Paraganglioma-Pheochromocytoma Syndrome. Identifiers: Orphanet 29072, MedGen C1854336, MONDO:0011544, OMIM 605373.
Gastrointestinal stromal tumor. Also called: Gastrointestinal stroma tumor; Gastrointestinal stromal tumor, somatic. Identifiers: Orphanet 44890, MedGen C0238198, MeSH D046152, MONDO:0011719, OMIM 606764, HP:0100723.

gnomAD v4.1: 1 of 1,585,660 alleles (0.000063%); no homozygotes.

Submission:

Labcorp Genetics (formerly Invitae), Labcorp
Classification: Uncertain significance for Pheochromocytoma/paraganglioma syndrome 3; Gastrointestinal stromal tumor. Last evaluated: 2024-04-14. Review status: criteria provided, single submitter. Criteria: Invitae Variant Classification Sherloc (09022015). Collection method: clinical testing. Allele origin: germline.
Comment: This sequence change falls in intron 3 of the SDHC gene. It does not directly change the encoded amino acid sequence of the SDHC protein. It affects a nucleotide within the consensus splice site. This variant is not present in population databases (gnomAD no frequency). This variant has not been reported in the literature in individuals affected with SDHC-related conditions. ClinVar contains an entry for this variant (Variation ID: 2007558). Variants that disrupt the consensus splice site are a relatively common cause of aberrant splicing (PMID: 17576681, 9536098). Algorithms developed to predict the effect of sequence changes on RNA splicing suggest that this variant is not likely to affect RNA splicing. In summary, the available evidence is currently insufficient to determine the role of this variant in disease. Therefore, it has been classified as a Variant of Uncertain Significance.

Literature cited by the submitters: PubMed 17576681; PubMed 9536098.